The following is an entry in ClinVar:

NM_000053.4(ATP7B):c.676C>T (p.Arg226Trp)

Gene: ATP7B (ATPase copper transporting beta; minus strand). Cytogenetic location: 13q14.3.
Variant type: single nucleotide variant.
Coding change: c.676C>T on transcript NM_000053.4 (MANE Select); coding-DNA position 676, C replaced by T.
Protein change: p.Arg226Trp; replaces arginine 226 with tryptophan.
Molecular consequence: missense variant.
Genome position (GRCh38, 1-based): chr13:51,974,544, G>A on the plus strand (C>T on the coding strand, the complement: ATP7B is on the minus strand). VCF-style: chr13-51974544-G-A. GRCh37 (hg19) VCF-style: chr13-52548680-G-A.
Other names: c.676C>T, p.Arg226Trp (NM_001005918.3, NM_001243182.2, NM_001330578.2 and 1 more transcripts); short protein forms R226W.
Identifiers: ClinVar variation 312397 (VCV000312397.19), dbSNP rs749626601, ClinGen allele CA6989517.

ClinVar aggregate classification (germline): Conflicting classifications of pathogenicity. Review status: criteria provided, conflicting classifications (1 of 4 stars). 9 submissions from 9 submitters: Pathogenic (1); Likely pathogenic (4); Uncertain significance (4). Last evaluated 2026-01-27.

Conditions:
Wilson disease (WND). Also called: Wilson's disease. Identifiers: Orphanet 905, MedGen C0019202, MONDO:0010200, OMIM 277900. Disease mechanism: loss of function.

Allele frequency attached by ClinVar (database versions not stated): gnomAD 0.00002; gnomAD exomes 0.00002 and 0.00004; TOPMed 0.00002; ExAC 0.00004.

Submissions (9):

Labcorp Genetics (formerly Invitae), Labcorp
Classification: Pathogenic for Wilson disease. Last evaluated: 2026-01-27. Review status: criteria provided, single submitter. Criteria: Invitae Variant Classification Sherloc (09022015). Collection method: clinical testing. Allele origin: germline.
Comment: This sequence change replaces arginine, which is basic and polar, with tryptophan, which is neutral and slightly polar, at codon 226 of the ATP7B protein (p.Arg226Trp). This variant is present in population databases (rs749626601, gnomAD 0.03%). This missense change has been observed in individual(s) with Wilson disease (PMID: 34400371). In at least one individual the data is consistent with being in trans (on the opposite chromosome) from a pathogenic variant. ClinVar contains an entry for this variant (Variation ID: 312397). Invitae Evidence Modeling of protein sequence and biophysical properties (such as structural, functional, and spatial information, amino acid conservation, physicochemical variation, residue mobility, and thermodynamic stability) has been performed for this missense variant. However, the output from this modeling did not meet the statistical confidence thresholds required to predict the impact of this variant on ATP7B protein function. For these reasons, this variant has been classified as Pathogenic.

Myriad Genetics, Inc.
Classification: Uncertain significance for Wilson disease. Last evaluated: 2025-12-16. Review status: criteria provided, single submitter. Criteria: Myriad Autosomal Dominant, Autosomal Recessive and X-Linked Classification Criteria (2023). Collection method: clinical testing. Allele origin: unknown.
Comment: NM_000053.3(ATP7B):c.676C>T(R226W) is a missense variant classified as a variant of uncertain significance in the context of Wilson disease. R226W has been observed in cases with relevant disease (PMID: 27499926, 29153911, 34400371, 34400371, 34400371). Relevant functional assessments of this variant are available in the literature (PMID: 40661833). R226W has been observed in referenced population frequency databases. In summary, there is insufficient evidence to classify NM_000053.3(ATP7B):c.676C>T(R226W) as pathogenic or benign. Please note: this variant was assessed in the context of healthy population screening.

Women's Health and Genetics/Laboratory Corporation of America, LabCorp
Classification: Likely pathogenic for Wilson disease. Last evaluated: 2025-07-31. Review status: criteria provided, single submitter. Criteria: LabCorp Variant Classification Summary - May 2015. Collection method: clinical testing. Allele origin: germline.
Comment: Variant summary: ATP7B c.676C>T (p.Arg226Trp) results in a non-conservative amino acid change in the encoded protein sequence. Algorithms developed to predict the effect of missense changes on protein structure and function are either unavailable or do not agree on the potential impact of this missense change. The variant allele was found at a frequency of 4e-05 in 249438 control chromosomes (gnomAD). This frequency is not significantly higher than estimated for a pathogenic variant in ATP7B causing Wilson disease (4e-05 vs 0.011), allowing no conclusion about variant significance. c.676C>T has been observed in individuals affected with Wilson disease (Kascakova_2016, Couchonnal_2021). These data indicate that the variant is likely to be associated with disease. To our knowledge, no experimental evidence demonstrating an impact on protein function has been reported. The following publications have been ascertained in the context of this evaluation (PMID: 34400371, 27499926). ClinVar contains an entry for this variant (Variation ID: 312397). Based on the evidence outlined above, the variant was classified as likely pathogenic.

Baylor Genetics
Classification: Likely pathogenic for Wilson disease. Last evaluated: 2024-03-26. Review status: criteria provided, single submitter. Criteria: ACMG Guidelines, 2015. Collection method: clinical testing. Allele origin: unknown.

All of Us Research Program, National Institutes of Health
Classification: Uncertain significance for Wilson disease. Last evaluated: 2024-03-24. Review status: criteria provided, single submitter. Criteria: ACMG Guidelines, 2015. Collection method: clinical testing. Allele origin: germline. Inheritance: Autosomal recessive inheritance. Observed: 1 variant allele, 1 heterozygote.
Comment: This missense variant replaces arginine with tryptophan at codon 226 of the ATP7B protein. This variant is located in the extracellular metal binding domain 3 (a.a. 258-327) of the ATP protein. Computational prediction suggests that this variant may not impact protein structure and function. To our knowledge, functional studies have not been reported for this variant. This variant has been observed in two children affected with Wilson disease in compound heterozygous state with another pathogenic variant in the same gene, as well as in one homozygous affected child (PMID: 34400371). This variant has been identified in 10/249438 chromosomes in the general population by the Genome Aggregation Database (gnomAD). Although there is a suspicion for a pathogenic role, the available evidence is insufficient to determine the role of this variant in disease conclusively. Therefore, this variant is classified as a Variant of Uncertain Significance.

This study involves interpretation of variants in research participants for the purpose of population health screening. Participant phenotype was not available at the time of variant classification. Additional details can be found in publication PMID: 35346344, PMCID: PMC8962531

Color Diagnostics, LLC DBA Color Health
Classification: Uncertain significance for Wilson disease. Last evaluated: 2024-02-22. Review status: criteria provided, single submitter. Criteria: ACMG Guidelines, 2015. Collection method: clinical testing. Allele origin: germline.
Comment: This missense variant replaces arginine with tryptophan at codon 226 of the ATP7B protein. This variant is located in the extracellular metal binding domain 3 (a.a. 258-327) of the ATP protein. Computational prediction suggests that this variant may not impact protein structure and function. To our knowledge, functional studies have not been reported for this variant. This variant has been observed in two children affected with Wilson disease in compound heterozygous state with another pathogenic variant in the same gene, as well as in one homozygous affected child (PMID: 34400371). This variant has been identified in 10/249438 chromosomes in the general population by the Genome Aggregation Database (gnomAD). Although there is a suspicion for a pathogenic role, the available evidence is insufficient to determine the role of this variant in disease conclusively. Therefore, this variant is classified as a Variant of Uncertain Significance.

Fulgent Genetics
Classification: Likely pathogenic for Wilson disease. Last evaluated: 2023-12-26. Review status: criteria provided, single submitter. Criteria: ACMG Guidelines, 2015. Collection method: clinical testing. Allele origin: germline.

Illumina Laboratory Services, Illumina
Classification: Uncertain significance for Wilson disease. Last evaluated: 2018-01-12. Review status: criteria provided, single submitter. Criteria: ICSL Variant Classification Criteria 13 December 2019. Collection method: clinical testing. Allele origin: germline.

Juno Genomics, Hangzhou Juno Genomics, Inc
Classification: Likely pathogenic for Wilson disease. Review status: criteria provided, single submitter. Criteria: ACMG Guidelines, 2015. Collection method: clinical testing. Allele origin: germline.
Comment: Absent from controls (or at extremely low frequency if recessive) in Genome Aggregation Database.;For recessive disorders, detected in trans with a pathogenic variant.;Patient's phenotype or family history is highly specific for a disease with a single genetic etiology.

Literature cited by the submitters: PubMed 34400371 (cited by 5 submitters); PubMed 27499926 (cited by Myriad Genetics, Inc. and Women's Health and Genetics/Laboratory Corporation of America, LabCorp); PubMed 29153911 (cited by Myriad Genetics, Inc.); PubMed 40661833 (cited by Myriad Genetics, Inc.).